The following is an entry in ClinVar:

ClinVar aggregate classification (germline): Uncertain significance (1 of 4 stars; one submission).

Allele frequency attached by ClinVar (database versions not stated): TOPMed below 0.00001; gnomAD exomes 0.00001 and 0.00002; ExAC 0.00002.
gnomAD v4.1: 6 of 1,613,840 alleles (0.00037%); highest among the groups gnomAD compares: Admixed American, 0.01%; no homozygotes.

Submission:

Labcorp Genetics (formerly Invitae), Labcorp
Classification: Uncertain significance. Last evaluated: 2024-05-02. Review status: criteria provided, single submitter. Criteria: Invitae Variant Classification Sherloc (09022015). Collection method: clinical testing. Allele origin: germline.
Comment: This sequence change replaces phenylalanine, which is neutral and non-polar, with leucine, which is neutral and non-polar, at codon 263 of the CLCN6 protein (p.Phe263Leu). This variant is present in population databases (rs763230244, gnomAD 0.01%). This variant has not been reported in the literature in individuals affected with CLCN6-related conditions. ClinVar contains an entry for this variant (Variation ID: 1514393). An algorithm developed to predict the effect of missense changes on protein structure and function (PolyPhen-2) suggests that this variant is likely to be disruptive. In summary, the available evidence is currently insufficient to determine the role of this variant in disease. Therefore, it has been classified as a Variant of Uncertain Significance.

NM_001286.5(CLCN6):c.787T>C (p.Phe263Leu)

Gene: CLCN6 (chloride voltage-gated channel 6; plus strand). Cytogenetic location: 1p36.22.
Variant type: single nucleotide variant.
Coding change: c.787T>C on transcript NM_001286.5 (MANE Select); coding-DNA position 787, T replaced by C.
Protein change: p.Phe263Leu; replaces phenylalanine 263 with leucine.
Molecular consequence: missense variant. On other transcripts: non-coding transcript variant (1).
Genome position (GRCh38, 1-based): chr1:11,827,168, T>C. VCF-style: chr1-11827168-T-C. GRCh37 (hg19) VCF-style: chr1-11887225-T-C.
Other names: c.721T>C, p.Phe241Leu (NM_001256959.2); short protein forms F241L, F263L.
Identifiers: ClinVar variation 1514393 (VCV001514393.8), dbSNP rs763230244, ClinGen allele CA596240.